The following is an entry in ClinVar:

ClinVar aggregate classification (germline): Pathogenic (1 of 4 stars; one submission).

Submission:

Labcorp Genetics (formerly Invitae), Labcorp
Classification: Pathogenic. Last evaluated: 2024-01-02. Review status: criteria provided, single submitter. Criteria: Invitae Variant Classification Sherloc (09022015). Collection method: clinical testing. Allele origin: germline.
Comment: This variant is a gross deletion of the genomic region encompassing exon(s) 1-2 of the MCPH1 gene, which includes the initiator codon. This deletion extends beyond the assayed region for this gene and therefore may encompass additional genes. It is expected to result in an absent or disrupted protein product. Loss-of-function variants in MCPH1 are known to be pathogenic (PMID: 20978018). A similar copy number variant has been observed in individual(s) with primary microcephaly (PMID: 28004384). This variant is also known as p.Met1_Asn95del. For these reasons, this variant has been classified as Pathogenic.

Literature cited by the submitters: PubMed 20978018; PubMed 28004384.

NC_000008.10:g.(?_6264189)_(6266911_?)del

Gene: MCPH1 (microcephalin 1; plus strand). Cytogenetic location: 8p23.1.
Variant type: Deletion.
Identifiers: ClinVar variation 2426842 (VCV002426842.4).